The following is an entry in ClinVar:

NM_170707.4(LMNA):c.14C>T (p.Ser5Phe)

Gene: LMNA (lamin A/C; plus strand). Cytogenetic location: 1q22.
Variant type: single nucleotide variant.
Coding change: c.14C>T on transcript NM_170707.4 (MANE Select); coding-DNA position 14, C replaced by T.
Protein change: p.Ser5Phe; replaces serine 5 with phenylalanine.
Molecular consequence: missense variant. On other transcripts: 5 prime UTR variant (8), intron variant (2).
Genome position (GRCh38, 1-based): chr1:156,114,932, C>T. VCF-style: chr1-156114932-C-T. GRCh37 (hg19) VCF-style: chr1-156084723-C-T.
Other names: c.14C>T, p.Ser5Phe (NM_001282625.2, NM_001282626.2, NM_001406983.1 and 6 more transcripts); c.-410C>T (NM_001406986.1); c.-388C>T (NM_001406990.1, NM_001406995.1, NM_001407002.1); c.-651C>T (NM_001406994.1, NM_001407000.1); c.-831C>T (NM_001406999.1); c.-494C>T (NM_001407001.1); c.-203+8109C>T (NM_001406993.1, NM_001407003.1); short protein forms S5F.
Identifiers: ClinVar variation 4757595 (VCV004757595.1).

ClinVar aggregate classification (germline): Uncertain significance (1 of 4 stars; one submission).

Conditions:
Cardiomyopathy (CMYO). Also called: Cardiomyopathies. Identifiers: Orphanet 167848, MedGen C0878544, MONDO:0004994, HP:0001638. Inheritance: Various modes of inheritance.

gnomAD v4.1: 4 of 1,560,166 alleles (0.00026%); highest among the groups gnomAD compares: South Asian, 0.0047%; no homozygotes.

Submission:

Color Diagnostics, LLC DBA Color Health
Classification: Uncertain significance for Cardiomyopathy. Last evaluated: 2025-07-08. Review status: criteria provided, single submitter. Criteria: ACMG Guidelines, 2015. Collection method: clinical testing. Allele origin: germline.
Comment: This missense variant replaces serine with phenylalanine at codon 5 of the LMNA protein. Computational prediction suggests that this variant may not impact protein structure and function. To our knowledge, functional studies have not been reported for this variant. This variant has not been reported in individuals affected with LMNA-related disorders in the literature. This variant has been identified in 1/169006 chromosomes in the general population by the Genome Aggregation Database (gnomAD). The available evidence is insufficient to determine the role of this variant in disease conclusively. Therefore, this variant is classified as a Variant of Uncertain Significance.